The following is an entry in ClinVar:

NM_001363118.2(SLC52A2):c.565G>A (p.Glu189Lys)

Gene: SLC52A2 (solute carrier family 52 member 2; plus strand). Cytogenetic location: 8q24.3.
Variant type: single nucleotide variant.
Coding change: c.565G>A on transcript NM_001363118.2 (MANE Select); coding-DNA position 565, G replaced by A.
Protein change: p.Glu189Lys; replaces glutamic acid 189 with lysine.
Molecular consequence: missense variant. On other transcripts: non-coding transcript variant (1), intron variant (1).
Genome position (GRCh38, 1-based): chr8:144,360,057, G>A. VCF-style: chr8-144360057-G-A. GRCh37 (hg19) VCF-style: chr8-145583717-G-A.
Other names: c.565G>A, p.Glu189Lys (NM_001253815.2, NM_001253816.2, NM_001363120.2 and 2 more transcripts); c.131-58G>A (NM_001363122.2); short protein forms E189K.
Identifiers: ClinVar variation 939588 (VCV000939588.7), dbSNP rs1818743331, ClinGen allele CA372627409.
Genomic context (GRCh38, chr8:144,360,057, plus strand): 5'-CGCCTCGAGTGCCCGCCAGCCCCCATCAACGGCACCCCTGGCCCCCCGCTCGACTTCCTT[G>A]AGCGTTTTCCCGCCAGCACCTTCTTCTGGGCACTGACTGCCCTTCTGGTCGCTTCAGCTG-3'
Protein context (NP_001350047.1, residues 179-199): GTPGPPLDFL[Glu189Lys]RFPASTFFWA

ClinVar aggregate classification (germline): Uncertain significance (1 of 4 stars; one submission).

Conditions:
Brown-Vialetto-van Laere syndrome 2. Also called: SPINOCEREBELLAR ATAXIA WITH BLINDNESS AND DEAFNESS 2; Riboflavin transporter deficiency type 2. Identifiers: Orphanet 572543, Orphanet 97229, MedGen C3553538, MONDO:0013867, OMIM 614707.

Submission:

Labcorp Genetics (formerly Invitae), Labcorp
Classification: Uncertain significance for Brown-Vialetto-van Laere syndrome 2. Last evaluated: 2021-04-04. Review status: criteria provided, single submitter. Criteria: Invitae Variant Classification Sherloc (09022015). Collection method: clinical testing. Allele origin: germline.
Comment: In summary, the available evidence is currently insufficient to determine the role of this variant in disease. Therefore, it has been classified as a Variant of Uncertain Significance. Algorithms developed to predict the effect of missense changes on protein structure and function are either unavailable or do not agree on the potential impact of this missense change (SIFT: "Tolerated"; PolyPhen-2: "Probably Damaging"; Align-GVGD: "Class C0"). This variant has not been reported in the literature in individuals with SLC52A2-related conditions. This variant is not present in population databases (ExAC no frequency). This sequence change replaces glutamic acid with lysine at codon 189 of the SLC52A2 protein (p.Glu189Lys). The glutamic acid residue is highly conserved and there is a small physicochemical difference between glutamic acid and lysine.